The following is an entry in ClinVar:

ClinVar aggregate classification (germline): Uncertain significance (1 of 4 stars; one submission).

Conditions:
Inborn genetic diseases. Identifiers: MedGen C0950123, MeSH D030342.

Submission:

Ambry Genetics
Classification: Uncertain significance for Inborn genetic diseases. Last evaluated: 2025-07-18. Review status: criteria provided, single submitter. Criteria: Ambry Variant Classification Scheme 2023. Collection method: clinical testing. Allele origin: germline.
Comment: The p.E752G variant (also known as c.2255A>G), located in coding exon 14 of the RECQL4 gene, results from an A to G substitution at nucleotide position 2255. The glutamic acid at codon 752 is replaced by glycine, an amino acid with similar properties. This amino acid position is conserved. In addition, the in silico prediction for this alteration is inconclusive. Based on the available evidence, the clinical significance of this variant remains unclear.

NM_004260.4(RECQL4):c.2255A>G (p.Glu752Gly)

Gene: RECQL4 (RecQ like helicase 4; minus strand). Cytogenetic location: 8q24.3.
Variant type: single nucleotide variant.
Coding change: c.2255A>G on transcript NM_004260.4 (MANE Select); coding-DNA position 2255, A replaced by G.
Protein change: p.Glu752Gly; replaces glutamic acid 752 with glycine.
Molecular consequence: missense variant. On other transcripts: non-coding transcript variant (3).
Genome position (GRCh38, 1-based): chr8:144,513,426, T>C on the plus strand (A>G on the coding strand, the complement: RECQL4 is on the minus strand). VCF-style: chr8-144513426-T-C. GRCh37 (hg19) VCF-style: chr8-145738810-T-C.
Other names: c.1184A>G, p.Glu395Gly (NM_001413034.1, NM_001413035.1, NM_001413038.1 and 6 more transcripts); c.2255A>G, p.Glu752Gly (NM_001413036.1, NM_001413018.1, NM_001413019.1); c.1052A>G, p.Glu351Gly (NM_001413037.1); c.2225A>G, p.Glu742Gly (NM_001413039.1); c.1118A>G, p.Glu373Gly (NM_001413041.1, NM_001413027.1, NM_001413030.1 and 1 more transcripts); c.1154A>G, p.Glu385Gly (NM_001413042.1); c.788A>G, p.Glu263Gly (NM_001413043.1); c.2159A>G, p.Glu720Gly (NM_001413017.1, NM_001413020.1); and 4 more; short protein forms E373G, E385G, E263G, E351G, E708G, E709G, E395G, E720G.
Identifiers: ClinVar variation 4152385 (VCV004152385.1).